The following is an entry in ClinVar:

ClinVar aggregate classification (germline): Likely benign (1 of 4 stars; one submission).

Allele frequency attached by ClinVar (database versions not stated): 1000 Genomes Project 30x 0.00390; 1000 Genomes Project 0.00399; gnomAD 0.00477 and 0.00519; TOPMed 0.00564.
gnomAD v4.1: 717 of 152,326 alleles (0.47%); highest among the groups gnomAD compares: African/African-American, 1.7%; 2 homozygotes.

Submission:

GeneDx
Classification: Likely benign. Last evaluated: 2018-06-16. Review status: criteria provided, single submitter. Criteria: GeneDx Variant Classification (06012015). Collection method: clinical testing. Allele origin: germline. Affected: yes.
Comment: This variant is considered likely benign or benign based on one or more of the following criteria: it is a conservative change, it occurs at a poorly conserved position in the protein, it is predicted to be benign by multiple in silico algorithms, and/or has population frequency not consistent with disease.

NM_004522.3(KIF5C):c.1362+173T>A

Gene: KIF5C (kinesin family member 5C; plus strand). Cytogenetic location: 2q23.1.
Variant type: single nucleotide variant.
Coding change: c.1362+173T>A on transcript NM_004522.3 (MANE Select); 173 bases into the intron after coding-DNA position 1362, T replaced by A.
Molecular consequence: intron variant.
Genome position (GRCh38, 1-based): chr2:148,979,163, T>A. VCF-style: chr2-148979163-T-A. GRCh37 (hg19) VCF-style: chr2-149835677-T-A.
Identifiers: ClinVar variation 679548 (VCV000679548.1), dbSNP rs79197765, ClinGen allele CA57581797.